The following is an entry in ClinVar:

NM_052867.4(NALCN):c.515+7G>A

Gene: NALCN (sodium leak channel, non-selective; minus strand). Cytogenetic location: 13q33.1.
Variant type: single nucleotide variant.
Coding change: c.515+7G>A on transcript NM_052867.4 (MANE Select); 7 bases into the intron after coding-DNA position 515, G replaced by A.
Molecular consequence: intron variant.
Genome position (GRCh38, 1-based): chr13:101,376,910, C>T on the plus strand (G>A on the coding strand, the complement: NALCN is on the minus strand). VCF-style: chr13-101376910-C-T. GRCh37 (hg19) VCF-style: chr13-102029261-C-T.
Other names: p.?; c.515+7G>A (NM_001350751.2, NM_001350749.2, NM_001350750.2 and 1 more transcripts).
Identifiers: ClinVar variation 262265 (VCV000262265.38), dbSNP rs41281142, ClinGen allele CA7036440.

ClinVar aggregate classification (germline): Benign/Likely benign. Review status: criteria provided, multiple submitters, no conflicts (2 of 4 stars). 6 submissions from 6 submitters: Benign (4); Likely benign (2). Last evaluated 2026-09-01.

Allele frequency attached by ClinVar (database versions not stated): 1000 Genomes Project 0.00240; 1000 Genomes Project 30x 0.00250; TOPMed 0.00843; ExAC 0.01024; gnomAD 0.01052; ESP Exome Variant Server 0.01146.
gnomAD v4.1: 18,068 of 1,614,088 alleles (1.1%); highest among the groups gnomAD compares: Middle Eastern, 1.6%; 130 homozygotes.

Submissions (6):

CeGaT Center for Human Genetics Tuebingen
Classification: Benign. Last evaluated: 2026-09-01. Review status: criteria provided, single submitter. Criteria: CeGaT Center For Human Genetics Tuebingen Variant Classification Criteria Version 2. Collection method: clinical testing. Allele origin: germline. Affected: yes. Observed: 15 variant alleles.
Comment: NALCN: BP4, BS1, BS2

Labcorp Genetics (formerly Invitae), Labcorp
Classification: Benign. Last evaluated: 2026-02-03. Review status: criteria provided, single submitter. Criteria: Invitae Variant Classification Sherloc (09022015). Collection method: clinical testing. Allele origin: germline.

Mayo Clinic Laboratories, Mayo Clinic
Classification: Benign. Last evaluated: 2023-02-27. Review status: criteria provided, single submitter. Criteria: ACMG Guidelines, 2015. Collection method: clinical testing. Allele origin: germline. Observed: 5 variant alleles.
Comment: BS1, BS2, BP4, BP7

GeneDx
Classification: Likely benign. Last evaluated: 2018-07-26. Review status: criteria provided, single submitter. Criteria: GeneDx Variant Classification Process June 2021. Collection method: clinical testing. Allele origin: germline. Affected: yes.

Breakthrough Genomics
Classification: Likely benign. Review status: criteria provided, single submitter. Criteria: ACMG Guidelines, 2015. Collection method: not provided. Allele origin: germline. Inheritance: Autosomal recessive inheritance. Affected: yes.

PreventionGenetics, part of Exact Sciences
Classification: Benign. Review status: criteria provided, single submitter. Criteria: ACMG Guidelines, 2015. Collection method: clinical testing. Allele origin: germline.